The following is an entry in ClinVar:

ClinVar aggregate classification (germline): Conflicting classifications of pathogenicity. Review status: criteria provided, conflicting classifications (1 of 4 stars). 5 submissions from 5 submitters: Uncertain significance (4); Likely benign (1). Last evaluated 2026-04-27.

Conditions:
Intellectual developmental disorder with autism and macrocephaly. Also called: CHD8-Related Neurodevelopmental Disorder with Overgrowth; Autism, susceptibility to, 18. Identifiers: Orphanet 642675, MedGen C3554373, MONDO:0014017, OMIM 615032.
Paediatric disorders.

Allele frequency attached by ClinVar (database versions not stated): TOPMed 0.00002.

Submissions (5):

North West Genomic Laboratory Hub, Manchester University NHS Foundation Trust
Classification: Uncertain significance for Paediatric disorders. Last evaluated: 2026-04-27. Review status: criteria provided, single submitter. Criteria: ACGS Best Practice Guidelines for Variant Classification in Rare Disease 2024. Collection method: clinical testing. Allele origin: germline. Affected: yes.
Comment: BP4_Supp

Labcorp Genetics (formerly Invitae), Labcorp
Classification: Likely benign. Last evaluated: 2025-11-15. Review status: criteria provided, single submitter. Criteria: Invitae Variant Classification Sherloc (09022015). Collection method: clinical testing. Allele origin: germline.

CeGaT Center for Human Genetics Tuebingen
Classification: Uncertain significance. Last evaluated: 2022-07-01. Review status: criteria provided, single submitter. Criteria: CeGaT Center For Human Genetics Tuebingen Variant Classification Criteria Version 2. Collection method: clinical testing. Allele origin: germline. Affected: yes. Observed: 1 variant allele.
Comment: CHD8: PP2

Revvity Omics, Revvity
Classification: Uncertain significance for Intellectual developmental disorder with autism and macrocephaly. Last evaluated: 2020-10-21. Review status: criteria provided, single submitter. Criteria: ACMG Guidelines, 2015. Collection method: clinical testing. Allele origin: germline.

Centre for Mendelian Genomics, University Medical Centre Ljubljana
Classification: Uncertain significance for Intellectual developmental disorder with autism and macrocephaly. Last evaluated: 2019-03-18. Review status: criteria provided, single submitter. Criteria: ACMG Guidelines, 2015. Collection method: clinical testing. Allele origin: unknown. Affected: yes.
Comment: This variant was classified as: Uncertain significance. The available evidence on this variant's pathogenicity is insufficient or conflicting. The following ACMG criteria were applied in classifying this variant: PP3.

NM_001170629.2(CHD8):c.1030G>A (p.Val344Met)

Gene: CHD8 (chromodomain helicase DNA binding protein 8; minus strand). Cytogenetic location: 14q11.2.
Variant type: single nucleotide variant.
Coding change: c.1030G>A on transcript NM_001170629.2 (MANE Select); coding-DNA position 1030, G replaced by A.
Protein change: p.Val344Met; replaces valine 344 with methionine.
Molecular consequence: missense variant.
Genome position (GRCh38, 1-based): chr14:21,429,149, C>T on the plus strand (G>A on the coding strand, the complement: CHD8 is on the minus strand). VCF-style: chr14-21429149-C-T. GRCh37 (hg19) VCF-style: chr14-21897308-C-T.
Other names: c.193G>A, p.Val65Met (NM_020920.4); short protein forms V344M, V65M.
Identifiers: ClinVar variation 930650 (VCV000930650.35), dbSNP rs753886912, ClinGen allele CA7091857.
Genomic context (GRCh38, chr14:21,429,149, plus strand): 5'-GCTGTGGCTGCGATGATGGTGGTTGTGGTACAATCTGGATTTTTTGCTGTGGCTGCTGCA[C>T]CTGCAGCTGGATAGTTACTACCTTGGCAGGCTGCCCTTGGGCATTCTTGGCTTGAGTCAG-3'
Protein context (NP_001164100.1, residues 334-354): PAKVVTIQLQ[Val344Met]QQPQQKIQIV